The following is an entry in ClinVar:

ClinVar aggregate classification (germline): Uncertain significance (1 of 4 stars; one submission).

Conditions:
Hereditary cancer-predisposing syndrome. Also called: Hereditary Cancer Syndrome; Hereditary neoplastic syndrome; Neoplastic Syndromes, Hereditary; Tumor predisposition. Identifiers: Orphanet 140162, MedGen C0027672, MeSH D009386, MONDO:0015356.

Submission:

Ambry Genetics
Classification: Uncertain significance for Hereditary cancer-predisposing syndrome. Last evaluated: 2025-04-11. Review status: criteria provided, single submitter. Criteria: Ambry Variant Classification Scheme 2023. Collection method: clinical testing. Allele origin: germline.
Comment: The p.N389K variant (also known as c.1167C>A), located in coding exon 9 of the APC gene, results from a C to A substitution at nucleotide position 1167. The asparagine at codon 389 is replaced by lysine, an amino acid with similar properties. This amino acid position is conserved. In addition, in silico predictors for this gene do not accurately predict pathogenicity. Based on the available evidence, the clinical significance of this variant remains unclear.

NM_000038.6(APC):c.1167C>A (p.Asn389Lys)

Gene: APC (APC regulator of Wnt signaling pathway; plus strand). Cytogenetic location: 5q22.2.
Variant type: single nucleotide variant.
Coding change: c.1167C>A on transcript NM_000038.6 (MANE Select); coding-DNA position 1167, C replaced by A.
Protein change: p.Asn389Lys; replaces asparagine 389 with lysine.
Molecular consequence: missense variant. On other transcripts: non-coding transcript variant (2), intron variant (15).
Genome position (GRCh38, 1-based): chr5:112,819,199, C>A. VCF-style: chr5-112819199-C-A. GRCh37 (hg19) VCF-style: chr5-112154896-C-A.
Other names: c.1167C>A, p.Asn389Lys (NM_001127510.3, NM_001354895.2, NM_001354896.2 and 4 more transcripts); c.1113C>A, p.Asn371Lys (NM_001127511.3); c.1197C>A, p.Asn399Lys (NM_001354897.2, NM_001407446.1); c.1092C>A, p.Asn364Lys (NM_001354898.2, NM_001407451.1); c.1083C>A, p.Asn361Lys (NM_001354899.2, NM_001407452.1); c.990C>A, p.Asn330Lys (NM_001354900.2, NM_001354901.2, NM_001407453.1); c.318C>A, p.Asn106Lys (NM_001354906.2, NM_001407470.1); c.85-70C>A (NM_001407472.1, NM_001407471.1); and 5 more; short protein forms N106K, N361K, N364K, N330K, N371K, N389K, N399K.
Identifiers: ClinVar variation 3928658 (VCV003928658.1).